The following is an entry in ClinVar:

ClinVar aggregate classification (germline): Uncertain significance (1 of 4 stars; one submission).

Conditions:
Leigh syndrome (NULS). Also called: Leigh's necrotizing encephalopathy; Leigh's disease; Leigh's syndrome; LEIGH SYNDROME, NUCLEAR; Leigh Syndrome (mtDNA deletion); Leigh Disease. Identifiers: Orphanet 506, MedGen C2931891, MONDO:0009723, OMIM 256000.

Submission:

Wong Mito Lab, Molecular and Human Genetics, Baylor College of Medicine
Classification: Uncertain significance for Leigh syndrome. Last evaluated: 2019-10-17. Review status: criteria provided, single submitter. Criteria: Modified ACMG Guidelines (Unpublished). Collection method: clinical testing. Allele origin: germline.
Comment: The NC_012920.1:m.14895T>C (YP_003024038.1:p.Phe50Ser) variant in MTCYB gene is interpretated to be a Uncertain Significance variant based on the modified ACMG guidelines (unpublished). This variant meets the following evidence codes: PP7

NC_012920.1(MT-CYB):m.14895T>C

Gene: MT-CYB (mitochondrially encoded cytochrome b; plus strand).
Variant type: single nucleotide variant.
Genome position: chrM-14895-T-C.
Identifiers: ClinVar variation 693787 (VCV000693787.1), dbSNP rs1603224957, ClinGen allele CA913172387.